The following is an entry in ClinVar:

NM_000631.5(NCF4):c.758+50C>T

Gene: NCF4 (neutrophil cytosolic factor 4; plus strand). Cytogenetic location: 22q12.3.
Variant type: single nucleotide variant.
Coding change: c.758+50C>T on transcript NM_000631.5 (MANE Select); 50 bases into the intron after coding-DNA position 758, C replaced by T.
Molecular consequence: intron variant. On other transcripts: nonsense (1).
Genome position (GRCh38, 1-based): chr22:36,875,833, C>T. VCF-style: chr22-36875833-C-T. GRCh37 (hg19) VCF-style: chr22-37271875-C-T.
Other names: c.808C>T, p.Arg270Ter (NM_013416.4); short protein forms R270*.
Identifiers: ClinVar variation 652770 (VCV000652770.12), dbSNP rs201021542, ClinGen allele CA10213165.

ClinVar aggregate classification (germline): Conflicting classifications of pathogenicity. Review status: criteria provided, conflicting classifications (1 of 4 stars). 4 submissions from 4 submitters: Pathogenic (2); Likely pathogenic (1); Uncertain significance (1). Last evaluated 2026-01-19.

Conditions:
Chronic granulomatous disease. Identifiers: Orphanet 379, MedGen C0018203, MONDO:0018305.
Granulomatous disease, chronic, autosomal recessive, cytochrome b-positive, type 3. Also called: GRANULOMATOUS DISEASE, CHRONIC, DUE TO NCF4 DEFICIENCY; Granulomatous disease, chronic, autosomal recessive, cytochrome b-positive, type III; GRANULOMATOUS DISEASE, CHRONIC, AUTOSOMAL RECESSIVE, 3; CGD, AUTOSOMAL RECESSIVE CYTOCHROME b-POSITIVE, TYPE III. Identifiers: Orphanet 379, MedGen C3151409, MONDO:0013507, OMIM 613960.

Allele frequency attached by ClinVar (database versions not stated): TOPMed 0.00007; gnomAD exomes 0.00010 and 0.00017; gnomAD 0.00011; ESP Exome Variant Server 0.00015; ExAC 0.00022.
gnomAD v4.1: 159 of 1,613,986 alleles (0.0099%); highest among the groups gnomAD compares: Non-Finnish European, 0.011%; no homozygotes.

Submissions (4):

Labcorp Genetics (formerly Invitae), Labcorp
Classification: Pathogenic for Granulomatous disease, chronic, autosomal recessive, cytochrome b-positive, type 3. Last evaluated: 2026-01-19. Review status: criteria provided, single submitter. Criteria: Invitae Variant Classification Sherloc (09022015). Collection method: clinical testing. Allele origin: germline.
Comment: This sequence change creates a premature translational stop signal (p.Arg270*) in the NCF4 gene. It is expected to result in an absent or disrupted protein product. Loss-of-function variants in NCF4 are known to be pathogenic (PMID: 16880254, 19692703, 20167518). This variant is present in population databases (rs201021542, gnomAD 0.07%). This variant has not been reported in the literature in individuals affected with NCF4-related conditions. ClinVar contains an entry for this variant (Variation ID: 652770). For these reasons, this variant has been classified as Pathogenic.

Women's Health and Genetics/Laboratory Corporation of America, LabCorp
Classification: Pathogenic for Chronic granulomatous disease. Last evaluated: 2025-01-23. Review status: criteria provided, single submitter. Criteria: LabCorp Variant Classification Summary - May 2015. Collection method: clinical testing. Allele origin: germline.
Comment: Variant summary: NCF4 c.808C>T (p.Arg270X) results in a premature termination codon, predicted to cause a truncation of the encoded protein or absence of the protein due to nonsense mediated decay, which are commonly known mechanisms for disease. The variant allele was found at a frequency of 9.9e-05 in 1613986 control chromosomes. This frequency is not significantly higher than estimated for a pathogenic variant in NCF4 causing Chronic Granulomatous Disease (9.9e-05 vs 0.00025), allowing no conclusion about variant significance. To our knowledge, c.808C>T has not been reported in the literature in individuals affected with Chronic Granulomatous Disease and no experimental evidence demonstrating an impact on protein function has been reported. ClinVar contains an entry for this variant (Variation ID: 652770). Based on the evidence outlined above, the variant was classified as pathogenic.

Blueprint Genetics
Classification: Uncertain significance. Last evaluated: 2024-11-04. Review status: criteria provided, single submitter. Criteria: ACMG Guidelines, 2015. Collection method: clinical testing. Allele origin: germline.

Neuberg Centre For Genomic Medicine, NCGM
Classification: Likely pathogenic for Granulomatous disease, chronic, autosomal recessive, cytochrome b-positive, type 3. Review status: criteria provided, single submitter. Criteria: ACMG Guidelines, 2015. Collection method: clinical testing. Allele origin: germline. Inheritance: Autosomal recessive inheritance. Affected: yes.
Comment: The stop gained c.808C>T(p.Arg270Ter) variant in NCF4 gene has been submitted to the ClinVar database as Pathogenic / Uncertain Significance. However, this variant has not been reported previously in affected individuals, to our knowledge. The c.808C>T variant is present with allele frequency of 0.02% in gnomAD Exomes. Computational evidence (MutationTaster - Disease causing) predicts damaging effect on protein structure and function for this variant. The nucleotide change at this position on NCF4 gene is predicted as conserved by GERP++. This sequence change creates a premature translational stop signal (p.Arg270Ter) in the NCF4 gene. This variant is predicted to cause loss of normal protein function through protein truncation. Loss of function variants have been previously reported to be disease causing. Additional functional studies will be required to prove the pathogenicity of this variant. For these reasons, this variant has been classified as Likely Pathogenic.

Literature cited by the submitters: PubMed 16880254 (cited by Labcorp Genetics (formerly Invitae), Labcorp); PubMed 19692703 (cited by Labcorp Genetics (formerly Invitae), Labcorp); PubMed 20167518 (cited by Labcorp Genetics (formerly Invitae), Labcorp); PubMed 29431110 (cited by Women's Health and Genetics/Laboratory Corporation of America, LabCorp).